The following is an entry in ClinVar:

NM_032638.5(GATA2):c.1143+2T>A

Gene: GATA2 (GATA binding protein 2; minus strand). Cytogenetic location: 3q21.3.
Variant type: single nucleotide variant.
Coding change: c.1143+2T>A on transcript NM_032638.5 (MANE Select); the canonical splice donor site of the intron after coding-DNA position 1143, T replaced by A.
Molecular consequence: splice donor variant.
Genome position (GRCh38, 1-based): chr3:128,481,817, A>T on the plus strand (T>A on the coding strand, the complement: GATA2 is on the minus strand). VCF-style: chr3-128481817-A-T. GRCh37 (hg19) VCF-style: chr3-128200660-A-T.
Other names: c.1143+2T>A (NM_032638.4, NM_001145661.2); c.1101+2T>A (NM_001145662.1).
Identifiers: ClinVar variation 1184197 (VCV001184197.2), dbSNP rs2107668560, ClinGen allele CA354413440.

ClinVar aggregate classification (germline): Pathogenic/Likely pathogenic. Review status: criteria provided, multiple submitters, no conflicts (2 of 4 stars). 2 submissions from 2 submitters: Pathogenic (1); Likely pathogenic (1). Last evaluated 2023-12-20.

Conditions:
Deafness-lymphedema-leukemia syndrome. Also called: Emberger syndrome; Lymphedema, primary, with myelodysplasia. Identifiers: Orphanet 3226, MedGen C3279664, MONDO:0013540, OMIM 614038.
GATA2 deficiency with susceptibility to MDS/AML. Identifiers: MedGen CN300066, MONDO:0042982.
Inborn genetic diseases. Identifiers: MedGen C0950123, MeSH D030342.

Submissions (2):

Ambry Genetics
Classification: Likely pathogenic for Inborn genetic diseases. Last evaluated: 2023-12-20. Review status: criteria provided, single submitter. Criteria: Ambry Variant Classification Scheme 2023. Collection method: clinical testing. Allele origin: germline.
Comment: The c.1143+2T>A intronic variant results from a T to A substitution two nucleotides after coding exon 4 in the GATA2 gene. Alterations that disrupt the canonical splice site are expected to result in aberrant splicing. In silico splice site analysis predicts that this alteration will weaken the native splice donor site and may result in the creation or strengthening of a novel splice donor site. The resulting transcript is not expected to trigger nonsense-mediated mRNA decay and the exact functional effect of the altered amino acid sequence is unknown; however, the impacted region is critical for protein function (Ambry internal data). This variant was reported as a de novo occurrence in an individual with myelodysplastic syndrome identified in the bone marrow and RNA studies identified aberrant splicing associated with this variant (Oleaga-Quintas C et al. J Clin Immunol, 2021 Apr;41:639-657). This variant is considered to be rare based on population cohorts in the Genome Aggregation Database (gnomAD). This nucleotide position is highly conserved in available vertebrate species. Based on the majority of available evidence to date, this variant is likely to be pathogenic.

Molecular Pathology Research Laboratory, SA Pathology
Classification: Pathogenic for GATA2 deficiency with susceptibility to MDS/AML; Deafness-lymphedema-leukemia syndrome. Last evaluated: 2021-07-06. Review status: criteria provided, single submitter. Criteria: ACMG Guidelines, 2015. Collection method: curation. Allele origin: de novo. Inheritance: Autosomal dominant inheritance. Affected: yes. Observed: 1 variant allele.
Comment: PVS1, PS2, PS4_Supporting, PM2

Literature cited by the submitters: PubMed 33417088 (cited by Ambry Genetics and Molecular Pathology Research Laboratory, SA Pathology).